The following is an entry in ClinVar:

NM_199292.3(TH):c.-71C>T

Gene: TH (tyrosine hydroxylase; minus strand). Cytogenetic location: 11p15.5.
Variant type: single nucleotide variant.
Coding change: c.-71C>T on transcript NM_199292.3; 71 bases upstream of the start codon, C replaced by T.
Genome position (GRCh38, 1-based): chr11:2,171,857, G>A on the plus strand (C>T on the coding strand, the complement: TH is on the minus strand). VCF-style: chr11-2171857-G-A. GRCh37 (hg19) VCF-style: chr11-2193087-G-A.
Identifiers: ClinVar variation 558656 (VCV000558656.27), dbSNP rs549435434, ClinGen allele CA216230262.

ClinVar aggregate classification (germline): Pathogenic/Likely pathogenic. Review status: criteria provided, multiple submitters, no conflicts (2 of 4 stars). 5 submissions from 5 submitters: Pathogenic (3); Likely pathogenic (1). 1 of the submissions does not count toward it. Last evaluated 2025-03-25.

Conditions:
TH-deficient dopa-responsive dystonia. Also called: Segawa syndrome, autosomal recessive; Tyrosine Hydroxylase-Deficient Dopa-Responsive Dystonia; DYT-TH. Identifiers: Orphanet 101150, MedGen C2673535, MONDO:0011551, OMIM 605407.

Allele frequency attached by ClinVar (database versions not stated): TOPMed 0.00004; gnomAD 0.00002 and 0.00001; gnomAD exomes 0.00001; 1000 Genomes Project 0.00020; 1000 Genomes Project 30x 0.00031.

Submissions (5):

Natera, Inc.
Classification: Likely pathogenic for Autosomal recessive Segawa syndrome. Last evaluated: 2025-03-25. Review status: criteria provided, single submitter. Criteria: Natera Variant Classification Schema (03/2026). Collection method: clinical testing. Allele origin: germline.
Comment: The c.-71C>T variant in TH is a 5' untranslated region (UTR) variant located upstream of the translation start codon. This variant is rare in the general population with a frequency below the threshold expected for the associated phenotype(s). This variant has been observed in one or more individuals affected with the associated recessive disease, as either homozygous or compound heterozygous with a second variant (PMID: 17698383, 22815559, 20430833). Additionally, this variant has been observed to segregate in affected family members (PMID: 22815559). Computational prediction algorithms indicate this variant is likely to affect gene or protein function. Given the available evidence, this variant is classified as Likely Pathogenic.

Labcorp Genetics (formerly Invitae), Labcorp
Classification: Pathogenic for TH-deficient dopa-responsive dystonia. Last evaluated: 2024-01-02. Review status: criteria provided, single submitter. Criteria: Invitae Variant Classification Sherloc (09022015). Collection method: clinical testing. Allele origin: germline.
Comment: This variant occurs in a non-coding region of the TH gene. It does not change the encoded amino acid sequence of the TH protein. This variant is not present in population databases (gnomAD no frequency). This variant has been observed in individuals with TH-related conditions and dystonia (PMID: 17696123, 17698383, 22815559). It has also been observed to segregate with disease in related individuals. This variant is also known as c.1-71 C>T. ClinVar contains an entry for this variant (Variation ID: 558656). Algorithms developed to predict the effect of variants on protein structure and function are not available or were not evaluated for this variant. Experimental studies have shown that this variant affects TH function (PMID: 9235905, 25910213). For these reasons, this variant has been classified as Pathogenic.

Women's Health and Genetics/Laboratory Corporation of America, LabCorp
Classification: Pathogenic for TH-deficient dopa-responsive dystonia. Last evaluated: 2023-08-09. Review status: criteria provided, single submitter. Criteria: LabCorp Variant Classification Summary - May 2015. Collection method: clinical testing. Allele origin: germline.
Comment: Variant summary: TH c.-71C>T alters a conserved nucleotide located within the cAMP response element (CRE) in the untranscribed region upstream of the TH gene. The variant was absent in 31334 control chromosomes. c.-71C>T has been reported in the literature as homozygous or compound heterozygous genotypes in multiple individuals affected with Segawa Syndrome, Autosomal Recessive (DOPA-responsive dystonia) (example, Verbeek_2007, Ribases_2007, Stamelou_2012). These data indicate that the variant is very likely to be associated with disease. At least one publication reports experimental evidence evaluating an impact on protein function. The most pronounced variant effect results in a reduction of 90% of basal transcription of the TH promotor in-vitro (Tinti_1997). The following publications have been ascertained in the context of this evaluation (PMID: 32872068, 25910213, 17698383, 22815559, 17696123, 9235905). Three submitters have cited clinical-significance assessments for this variant to ClinVar after 2014. All submitters classified the variant as pathogenic/likely pathogenic. Based on the evidence outlined above, the variant was classified as pathogenic.

Molecular Genetics Lab, CHRU Brest
Classification: Pathogenic for TH-deficient dopa-responsive dystonia. Review status: criteria provided, single submitter. Criteria: ACMG Guidelines, 2015. Collection method: clinical testing. Allele origin: maternal. Affected: yes.

Counsyl
Classification: Likely pathogenic for TH-deficient dopa-responsive dystonia. Last evaluated: 2018-06-01. Review status: no assertion criteria provided. Collection method: clinical testing. Allele origin: unknown. Not counted in ClinVar's aggregate classification.

Literature cited by the submitters: PubMed 17698383 (cited by 4 submitters); PubMed 22815559 (cited by 4 submitters); PubMed 20430833 (cited by Natera, Inc.); PubMed 17696123 (cited by 3 submitters); PubMed 9235905 (cited by 3 submitters); PubMed 25910213 (cited by 3 submitters); PubMed 32872068 (cited by Women's Health and Genetics/Laboratory Corporation of America, LabCorp).